The following is an entry in ClinVar:

NM_004736.4(XPR1):c.188A>G (p.Glu63Gly)

Gene: XPR1 (xenotropic and polytropic retrovirus receptor 1; plus strand). Cytogenetic location: 1q25.3.
Variant type: single nucleotide variant.
Coding change: c.188A>G on transcript NM_004736.4 (MANE Select); coding-DNA position 188, A replaced by G.
Protein change: p.Glu63Gly; replaces glutamic acid 63 with glycine.
Molecular consequence: missense variant. On other transcripts: non-coding transcript variant (1).
Genome position (GRCh38, 1-based): chr1:180,787,819, A>G. VCF-style: chr1-180787819-A-G. GRCh37 (hg19) VCF-style: chr1-180756955-A-G.
Other names: c.188A>G, p.Glu63Gly (NM_001135669.2, NM_001328662.2); short protein forms E63G.
Identifiers: ClinVar variation 1302333 (VCV001302333.2), dbSNP rs2102091156, ClinGen allele CA343842130.

ClinVar aggregate classification (germline): Uncertain significance (1 of 4 stars; one submission).

Submission:

GeneDx
Classification: Uncertain significance. Last evaluated: 2019-07-24. Review status: criteria provided, single submitter. Criteria: GeneDx Variant Classification Process June 2021. Collection method: clinical testing. Allele origin: germline. Affected: yes.
Comment: Not observed in large population cohorts (Lek et al., 2016); In silico analysis, which includes protein predictors and evolutionary conservation, supports a deleterious effect; Has not been previously published as pathogenic or benign to our knowledge